The following is an entry in ClinVar:

NM_000195.5(HPS1):c.1598+1A>T

Gene: HPS1 (HPS1 biogenesis of lysosomal organelles complex 3 subunit 1; minus strand). Cytogenetic location: 10q24.2.
Variant type: single nucleotide variant.
Coding change: c.1598+1A>T on transcript NM_000195.5 (MANE Select); the canonical splice donor site of the intron after coding-DNA position 1598, A replaced by T.
Molecular consequence: splice donor variant.
Genome position (GRCh38, 1-based): chr10:98,423,602, T>A on the plus strand (A>T on the coding strand, the complement: HPS1 is on the minus strand). VCF-style: chr10-98423602-T-A. GRCh37 (hg19) VCF-style: chr10-100183359-T-A.
Other names: c.1229+1A>T (NM_001322483.2, NM_001322484.2); c.1337+1A>T (NM_001322480.2, NM_001322481.2); c.1499+1A>T (NM_001322478.2, NM_001322479.2); c.1598+1A>T (NM_001322476.2, NM_001322477.2); c.1130+1A>T (NM_001322485.2); c.1238+1A>T (NM_001322482.2); c.626+1A>T (NM_001322489.2, NM_001311345.2, NM_001322487.2).
Identifiers: ClinVar variation 960520 (VCV000960520.8), dbSNP rs1845193663, ClinGen allele CA378044865.

ClinVar aggregate classification (germline): Likely pathogenic (1 of 4 stars; one submission).

Allele frequency attached by ClinVar (database versions not stated): gnomAD exomes below 0.00001.
gnomAD v4.1: 2 of 1,613,850 alleles (0.00012%); highest among the groups gnomAD compares: Non-Finnish European, 0.00017%; no homozygotes.

Submission:

Labcorp Genetics (formerly Invitae), Labcorp
Classification: Likely pathogenic. Last evaluated: 2019-08-29. Review status: criteria provided, single submitter. Criteria: Invitae Variant Classification Sherloc (09022015). Collection method: clinical testing. Allele origin: germline.
Comment: In summary, the currently available evidence indicates that the variant is pathogenic, but additional data are needed to prove that conclusively. Therefore, this variant has been classified as Likely Pathogenic. Donor and acceptor splice site variants typically lead to a loss of protein function (PMID: 16199547), and loss-of-function variants in HPS1 are known to be pathogenic (PMID: 12442288, 16185271). This variant has not been reported in the literature in individuals with HPS1-related conditions. This variant is not present in population databases (ExAC no frequency). This sequence change affects a donor splice site in intron 16 of the HPS1 gene. It is expected to disrupt RNA splicing and likely results in an absent or disrupted protein product.

Literature cited by the submitters: PubMed 16199547; PubMed 12442288; PubMed 16185271.